The following is an entry in ClinVar:

ClinVar aggregate classification (germline): Pathogenic/Likely pathogenic. Review status: criteria provided, multiple submitters, no conflicts (2 of 4 stars). 5 submissions from 5 submitters: Pathogenic (1); Likely pathogenic (2). 2 of the submissions do not count toward it. Last evaluated 2025-03-17.

Conditions:
Hereditary cancer-predisposing syndrome. Also called: Hereditary Cancer Syndrome; Hereditary neoplastic syndrome; Tumor predisposition; Neoplastic Syndromes, Hereditary. Identifiers: Orphanet 140162, MedGen C0027672, MeSH D009386, MONDO:0015356.
Pheochromocytoma. Also called: MAX-Related Hereditary Paraganglioma-Pheochromocytoma Syndrome. Identifiers: Orphanet 29072, MedGen C0031511, MONDO:0008233, OMIM 171300, HP:0002666.

Submissions (5):

GeneDx
Classification: Likely pathogenic. Last evaluated: 2025-03-17. Review status: criteria provided, single submitter. Criteria: GeneDx Variant Classification Process June 2021. Collection method: clinical testing. Allele origin: germline. Affected: yes.
Comment: Not observed at significant frequency in large population cohorts (gnomAD); RNA studies demonstrate a damaging effect leading to partial skipping of exon 3 (PMID: 21156949); This variant is associated with the following publications: (PMID: 25525159, 37937776, 21156949, 33051659)

MGZ Medical Genetics Center
Classification: Likely pathogenic for Pheochromocytoma. Last evaluated: 2022-01-27. Review status: criteria provided, single submitter. Criteria: ACMG Guidelines, 2015. Collection method: clinical testing. Allele origin: germline. Affected: yes. Observed: 1 variant allele.
Comment: ACMG criteria applied: PVS1_STR, PS3_SUP, PM2_SUP

Ambry Genetics
Classification: Pathogenic for Hereditary cancer-predisposing syndrome. Last evaluated: 2019-08-01. Review status: criteria provided, single submitter. Criteria: Ambry Variant Classification Scheme 2023. Collection method: clinical testing. Allele origin: germline.
Comment: The c.409+1G>T intronic pathogenic mutation results from a G to T substitution one nucleotide after coding exon 2 of the TMEM127 gene. Subsequent RNA analysis confirmed that this alteration results in in-frame skipping of exon 3 (coding exon 2), which is a large percentage of the protein (Yao L et al. JAMA, 2010 Dec;304:2611-9). This nucleotide position is highly conserved in available vertebrate species. This variant was not reported in population-based cohorts in the Genome Aggregation Database (gnomAD). In addition to the clinical data presented in the literature, alterations that disrupt the canonical splice site are expected to cause aberrant splicing, resulting in an abnormal protein or a transcript that is subject to nonsense-mediated mRNA decay. As such, this alteration is classified as a disease-causing mutation.

deCODE genetics, Amgen
Classification: Likely pathogenic for Pheochromocytoma. Last evaluated: 2023-07-21. Review status: no assertion criteria provided. Collection method: research. Allele origin: germline. Affected: yes. Observed: 1 variant allele. Not counted in ClinVar's aggregate classification.
Comment: The variant NM_017849.4:c.409+1G>T (chr2:96254832) in TMEM127 was detected in 1 heterozygote out of 58K WGS Icelanders (MAF= 0,001%). This variant has been reported in ClinVar previously as pathogenic. Based on ACMG criteria (PVS1, PM2, PP5) this variant classifies as likely pathogenic.

Familial Cancer Clinic, Veneto Institute of Oncology
Classification: Likely pathogenic for Pheochromocytoma. Review status: no assertion criteria provided. Collection method: not provided. Allele origin: germline. Not counted in ClinVar's aggregate classification.
ClinVar note: Converted during submission from likely pathogenic - adrenal pheochromocytoma to Likely pathogenic.

Literature cited by the submitters: PubMed 21156949 (cited by Ambry Genetics).

NM_017849.4(TMEM127):c.409+1G>T

Gene: TMEM127 (transmembrane protein 127; minus strand). Cytogenetic location: 2q11.2.
Variant type: single nucleotide variant.
Coding change: c.409+1G>T on transcript NM_017849.4 (MANE Select); the canonical splice donor site of the intron after coding-DNA position 409, G replaced by T.
Molecular consequence: splice donor variant.
Genome position (GRCh38, 1-based): chr2:96,254,832, C>A on the plus strand (G>T on the coding strand, the complement: TMEM127 is on the minus strand). VCF-style: chr2-96254832-C-A. GRCh37 (hg19) VCF-style: chr2-96920570-C-A.
Other names: c.157+1G>T (NM_001407283.1, NM_001407282.1); c.409+1G>T (NM_001193304.3).
Identifiers: ClinVar variation 126969 (VCV000126969.25), dbSNP rs121908825, ClinGen allele CA269753.
Genomic context (GRCh38, chr2:96,254,832, plus strand): 5'-AGACAGGATGCCCCCACCCTGTAGCAGTTCCTCTCCCACTGTGAGCAGGCTCACGGCTTA[C>A]CCGTTAGGATATGGGCGAAGGCATAGCGACGAGTGATCTTCAGAGCAGGATGCTTCGGCC-3'